The following is an entry in ClinVar:

NM_032634.4(PIGO):c.1339T>C (p.Ser447Pro)

Gene: PIGO (phosphatidylinositol glycan anchor biosynthesis class O; minus strand). Cytogenetic location: 9p13.3.
Variant type: single nucleotide variant.
Coding change: c.1339T>C on transcript NM_032634.4 (MANE Select); coding-DNA position 1339, T replaced by C.
Protein change: p.Ser447Pro; replaces serine 447 with proline.
Molecular consequence: missense variant.
Genome position (GRCh38, 1-based): chr9:35,092,548, A>G on the plus strand (T>C on the coding strand, the complement: PIGO is on the minus strand). VCF-style: chr9-35092548-A-G. GRCh37 (hg19) VCF-style: chr9-35092545-A-G.
Other names: c.1339T>C, p.Ser447Pro (NM_001201484.2, NM_152850.4); short protein forms S447P.
Identifiers: ClinVar variation 3699874 (VCV003699874.2).

ClinVar aggregate classification (germline): Uncertain significance (1 of 4 stars; one submission).

Conditions:
Hyperphosphatasia with impaired intellectual development syndrome 2. Also called: GLYCOSYLPHOSPHATIDYLINOSITOL BIOSYNTHESIS DEFECT 6; Hyperphosphatasia with intellectual disability syndrome 2. Identifiers: Orphanet 247262, MedGen C3553637, MONDO:0013882, OMIM 614749.

Submission:

Labcorp Genetics (formerly Invitae), Labcorp
Classification: Uncertain significance for Hyperphosphatasia with impaired intellectual development syndrome 2. Last evaluated: 2024-06-10. Review status: criteria provided, single submitter. Criteria: Invitae Variant Classification Sherloc (09022015). Collection method: clinical testing. Allele origin: germline.
Comment: This sequence change replaces serine, which is neutral and polar, with proline, which is neutral and non-polar, at codon 447 of the PIGO protein (p.Ser447Pro). This variant is not present in population databases (gnomAD no frequency). This variant has not been reported in the literature in individuals affected with PIGO-related conditions. Advanced modeling of protein sequence and biophysical properties (such as structural, functional, and spatial information, amino acid conservation, physicochemical variation, residue mobility, and thermodynamic stability) performed at Invitae indicates that this missense variant is not expected to disrupt PIGO protein function with a negative predictive value of 80%. In summary, the available evidence is currently insufficient to determine the role of this variant in disease. Therefore, it has been classified as a Variant of Uncertain Significance.